The following is an entry in ClinVar:

NM_020919.4(ALS2):c.4381C>T (p.Arg1461Ter)

Gene: ALS2 (alsin Rho guanine nucleotide exchange factor ALS2; minus strand). Cytogenetic location: 2q33.1.
Variant type: single nucleotide variant.
Coding change: c.4381C>T on transcript NM_020919.4 (MANE Select); coding-DNA position 4381, C replaced by T.
Protein change: p.Arg1461Ter; replaces arginine 1461 with a stop codon.
Molecular consequence: nonsense.
Genome position (GRCh38, 1-based): chr2:201,707,891, G>A on the plus strand (C>T on the coding strand, the complement: ALS2 is on the minus strand). VCF-style: chr2-201707891-G-A. GRCh37 (hg19) VCF-style: chr2-202572614-G-A.
Other names: short protein forms R1461*.
Identifiers: ClinVar variation 873268 (VCV000873268.8), dbSNP rs374047961, ClinGen allele CA63980825.

ClinVar aggregate classification (germline): Pathogenic. Review status: criteria provided, multiple submitters, no conflicts (2 of 4 stars). 4 submissions from 4 submitters: Pathogenic (4). Last evaluated 2023-04-03.

Conditions:
Amyotrophic lateral sclerosis type 2, juvenile. Also called: Amyotrophic lateral sclerosis type 2; ALS, JUVENILE. Identifiers: Orphanet 300605, MedGen C1859807, MONDO:0008780, OMIM 205100.
Infantile-onset ascending hereditary spastic paralysis (IAHSP). Also called: Autosomal Recessive Juvenile Amyotrophic Lateral Sclerosis; Infantile-Onset Ascending Hereditary Spastic Paralysis (IAHSP). Identifiers: Orphanet 293168, MedGen C2931441, MONDO:0011797, OMIM 607225. Disease mechanism: loss of function.

Allele frequency attached by ClinVar (database versions not stated): ESP Exome Variant Server 0.00008.
gnomAD v4.1: 3 of 1,613,398 alleles (0.00019%); highest among the groups gnomAD compares: Non-Finnish European, 0.000085%; no homozygotes.

Submissions (4):

Labcorp Genetics (formerly Invitae), Labcorp
Classification: Pathogenic for Infantile-onset ascending hereditary spastic paralysis. Last evaluated: 2023-04-03. Review status: criteria provided, single submitter. Criteria: Invitae Variant Classification Sherloc (09022015). Collection method: clinical testing. Allele origin: germline.
Comment: For these reasons, this variant has been classified as Pathogenic. ClinVar contains an entry for this variant (Variation ID: 873268). This premature translational stop signal has been observed in individual(s) with juvenile amyotrophic lateral sclerosis (PMID: 32579787). This variant is not present in population databases (gnomAD no frequency). This sequence change creates a premature translational stop signal (p.Arg1461*) in the ALS2 gene. It is expected to result in an absent or disrupted protein product. Loss-of-function variants in ALS2 are known to be pathogenic (PMID: 11586298, 24315819).

Laboratorio de Genetica e Diagnostico Molecular, Hospital Israelita Albert Einstein
Classification: Pathogenic for Infantile-onset ascending hereditary spastic paralysis. Last evaluated: 2021-09-27. Review status: criteria provided, single submitter. Criteria: ACMG Guidelines, 2015. Collection method: clinical testing. Allele origin: germline. Affected: yes.
Comment: ACMG classification criteria: PVS1 very strong, PS4 supporting, PM2 moderate, PM3 supporting

Suna and Inan Kirac Foundation Neurodegeneration Research Laboratory, Koc University
Classification: Pathogenic for Amyotrophic lateral sclerosis type 2, juvenile. Last evaluated: 2020-03-31. Review status: criteria provided, single submitter. Criteria: ACMG Guidelines, 2015. Collection method: research. Allele origin: germline. Affected: yes. Observed: 2 variant alleles.

Paris Brain Institute, Inserm - ICM
Classification: Pathogenic for Infantile-onset ascending hereditary spastic paralysis. Review status: criteria provided, single submitter. Criteria: ACMG Guidelines, 2015. Collection method: clinical testing. Allele origin: unknown. Affected: yes. Observed: 1 variant allele.

Literature cited by the submitters: PubMed 32579787 (cited by Labcorp Genetics (formerly Invitae), Labcorp); PubMed 11586298 (cited by Labcorp Genetics (formerly Invitae), Labcorp); PubMed 24315819 (cited by Labcorp Genetics (formerly Invitae), Labcorp).